The following is an entry in ClinVar:

ClinVar aggregate classification (germline): Pathogenic (1 of 4 stars; one submission).

Conditions:
Neuropathy, hereditary motor and sensory, type 6B (HMSN6B). Also called: Neuropathy, hereditary motor and sensory, type VIB; NEUROPATHY, HEREDITARY MOTOR AND SENSORY, TYPE VIB, WITH OPTIC ATROPHY; HMSN VIB; CHARCOT-MARIE-TOOTH DISEASE, TYPE 6B. Identifiers: MedGen C4225302, MONDO:0014671, OMIM 616505.

Submission:

Labcorp Genetics (formerly Invitae), Labcorp
Classification: Pathogenic for Neuropathy, hereditary motor and sensory, type 6B. Last evaluated: 2019-06-28. Review status: criteria provided, single submitter. Criteria: Invitae Variant Classification Sherloc (09022015). Collection method: clinical testing. Allele origin: germline.
Comment: A gross deletion of the genomic region encompassing the full coding sequence of the SLC25A46 gene has been identified. The boundaries of this event are unknown as the deletion extends beyond the assayed region for this gene and therefore may encompass additional genes. This variant has not been reported in the literature in individuals with SLC25A46-related conditions. Loss-of-function variants in SLC25A46 are known to be pathogenic (PMID: 26168012, 26951855, 27543974). For these reasons, this variant has been classified as Pathogenic.

NM_138773.2(SLC25A46):c.1_1257del

Genes: SLC25A46 (solute carrier family 25 member 46; plus strand), LOC129994345 (ATAC-STARR-seq lymphoblastoid active region 22887; plus strand). Cytogenetic location: 5q22.1.
Variant type: Deletion.
Coding change: c.1_1257del on transcript NM_138773.2; coding-DNA positions 1 to 1257, 1,257 bases deleted.
Identifiers: ClinVar variation 937658 (VCV000937658.1).